The following is an entry in ClinVar:

NM_032043.3(BRIP1):c.2171T>C (p.Ile724Thr)

Gene: BRIP1 (BRCA1 interacting DNA helicase 1; minus strand). Cytogenetic location: 17q23.2.
Variant type: single nucleotide variant.
Coding change: c.2171T>C on transcript NM_032043.3 (MANE Select); coding-DNA position 2171, T replaced by C.
Protein change: p.Ile724Thr; replaces isoleucine 724 with threonine.
Molecular consequence: missense variant.
Genome position (GRCh38, 1-based): chr17:61,744,518, A>G on the plus strand (T>C on the coding strand, the complement: BRIP1 is on the minus strand). VCF-style: chr17-61744518-A-G. GRCh37 (hg19) VCF-style: chr17-59821879-A-G.
Other names: short protein forms I724T.
Identifiers: ClinVar variation 1412636 (VCV001412636.12), dbSNP rs1312043643, ClinGen allele CA400483111.

ClinVar aggregate classification (germline): Uncertain significance. Review status: criteria provided, multiple submitters, no conflicts (2 of 4 stars). 2 submissions from 2 submitters: Uncertain significance (2). Last evaluated 2025-07-02.

Conditions:
Familial cancer of breast. Also called: hereditary breast carcinoma; BREAST CANCER, FAMILIAL; Hereditary breast cancer. Identifiers: Orphanet 227535, MedGen C0346153, MONDO:0016419, OMIM 114480. Disease mechanism: loss of function.
Fanconi anemia complementation group J. Also called: BRIP1-Related Fanconi Anemia. Identifiers: Orphanet 84, MedGen C1836860, MONDO:0012187, OMIM 609054.
Hereditary cancer-predisposing syndrome. Also called: Hereditary neoplastic syndrome; Neoplastic Syndromes, Hereditary; Hereditary Cancer Syndrome; Tumor predisposition. Identifiers: Orphanet 140162, MedGen C0027672, MeSH D009386, MONDO:0015356.

Allele frequency attached by ClinVar (database versions not stated): gnomAD exomes below 0.00001.
gnomAD v4.1: 1 of 1,613,864 alleles (0.000062%); highest among the groups gnomAD compares: South Asian, 0.0011%; no homozygotes.

Submissions (2):

Labcorp Genetics (formerly Invitae), Labcorp
Classification: Uncertain significance for Familial cancer of breast; Fanconi anemia complementation group J. Last evaluated: 2025-07-02. Review status: criteria provided, single submitter. Criteria: Invitae Variant Classification Sherloc (09022015). Collection method: clinical testing. Allele origin: germline.
Comment: This sequence change replaces isoleucine, which is neutral and non-polar, with threonine, which is neutral and polar, at codon 724 of the BRIP1 protein (p.Ile724Thr). This variant is present in population databases (no rsID available, gnomAD 0.003%). This variant has not been reported in the literature in individuals affected with BRIP1-related conditions. ClinVar contains an entry for this variant (Variation ID: 1412636). Invitae Evidence Modeling of protein sequence and biophysical properties (such as structural, functional, and spatial information, amino acid conservation, physicochemical variation, residue mobility, and thermodynamic stability) has been performed for this missense variant. However, the output from this modeling did not meet the statistical confidence thresholds required to predict the impact of this variant on BRIP1 protein function. In summary, the available evidence is currently insufficient to determine the role of this variant in disease. Therefore, it has been classified as a Variant of Uncertain Significance.

Ambry Genetics
Classification: Uncertain significance for Hereditary cancer-predisposing syndrome. Last evaluated: 2024-04-19. Review status: criteria provided, single submitter. Criteria: Ambry Variant Classification Scheme 2023. Collection method: clinical testing. Allele origin: germline.
Comment: The p.I724T variant (also known as c.2171T>C), located in coding exon 14 of the BRIP1 gene, results from a T to C substitution at nucleotide position 2171. The isoleucine at codon 724 is replaced by threonine, an amino acid with similar properties. This amino acid position is highly conserved in available vertebrate species. In addition, this alteration is predicted to be deleterious by in silico analysis. Since supporting evidence is limited at this time, the clinical significance of this alteration remains unclear.